The following is an entry in ClinVar:

ClinVar aggregate classification (germline): Uncertain significance (1 of 4 stars; one submission).

Conditions:
Inborn genetic diseases. Identifiers: MedGen C0950123, MeSH D030342.

Submission:

Ambry Genetics
Classification: Uncertain significance for Inborn genetic diseases. Last evaluated: 2025-11-04. Review status: criteria provided, single submitter. Criteria: Ambry Variant Classification Scheme 2023. Collection method: clinical testing. Allele origin: germline.
Comment: The p.I649T variant (also known as c.1946T>C), located in coding exon 12 of the BMPR2 gene, results from a T to C substitution at nucleotide position 1946. The isoleucine at codon 649 is replaced by threonine, an amino acid with similar properties. This amino acid position is conserved. In addition, this alteration is predicted to be tolerated by in silico analysis. Based on the available evidence, the clinical significance of this variant remains unclear.

NM_001204.7(BMPR2):c.1946T>C (p.Ile649Thr)

Gene: BMPR2 (bone morphogenetic protein receptor type 2; plus strand). Cytogenetic location: 2q33.2.
Variant type: single nucleotide variant.
Coding change: c.1946T>C on transcript NM_001204.7 (MANE Select); coding-DNA position 1946, T replaced by C.
Protein change: p.Ile649Thr; replaces isoleucine 649 with threonine.
Molecular consequence: missense variant.
Genome position (GRCh38, 1-based): chr2:202,555,611, T>C. VCF-style: chr2-202555611-T-C. GRCh37 (hg19) VCF-style: chr2-203420334-T-C.
Other names: short protein forms I649T.
Identifiers: ClinVar variation 4597666 (VCV004597666.1).